The following is an entry in ClinVar:

NM_015450.3(POT1):c.794T>C (p.Leu265Pro)

Gene: POT1 (protection of telomeres 1; minus strand). Cytogenetic location: 7q31.33.
Variant type: single nucleotide variant.
Coding change: c.794T>C on transcript NM_015450.3 (MANE Select); coding-DNA position 794, T replaced by C.
Protein change: p.Leu265Pro; replaces leucine 265 with proline.
Molecular consequence: missense variant. On other transcripts: non-coding transcript variant (3).
Genome position (GRCh38, 1-based): chr7:124,853,047, A>G on the plus strand (T>C on the coding strand, the complement: POT1 is on the minus strand). VCF-style: chr7-124853047-A-G. GRCh37 (hg19) VCF-style: chr7-124493101-A-G.
Other names: c.401T>C, p.Leu134Pro (NM_001042594.2); short protein forms L134P, L265P.
Identifiers: ClinVar variation 3226692 (VCV003226692.1), dbSNP rs2485441696, ClinGen allele CA369055429.
Genomic context (GRCh38, chr7:124,853,047, plus strand): 5'-ACATCAGAGTTACTTTCTGGCAAGACCCTGATTCCCCGACCGTAACTGGTACCTCCATGA[A>G]GATGAAACTCTAAACTTAACATTGTCTGATTCTCTGAATTCATTGATTGAAGTTTGGTAT-3'
Protein context (NP_056265.2, residues 255-275): NQTMLSLEFH[Leu265Pro]HGGTSYGRGI

ClinVar aggregate classification (germline): Uncertain significance (1 of 4 stars; one submission).

Conditions:
Hereditary cancer-predisposing syndrome. Also called: Neoplastic Syndromes, Hereditary; Tumor predisposition; Hereditary neoplastic syndrome; Hereditary Cancer Syndrome. Identifiers: Orphanet 140162, MedGen C0027672, MeSH D009386, MONDO:0015356.

Submission:

Ambry Genetics
Classification: Uncertain significance for Hereditary cancer-predisposing syndrome. Last evaluated: 2023-12-25. Review status: criteria provided, single submitter. Criteria: Ambry Variant Classification Scheme 2023. Collection method: clinical testing. Allele origin: germline.
Comment: The p.L265P variant (also known as c.794T>C), located in coding exon 6 of the POT1 gene, results from a T to C substitution at nucleotide position 794. The leucine at codon 265 is replaced by proline, an amino acid with similar properties. This amino acid position is conserved. In addition, this alteration is predicted to be deleterious by in silico analysis. Since supporting evidence is limited at this time, the clinical significance of this alteration remains unclear.